The following is an entry in ClinVar:

NM_000157.4(GBA1):c.1549G>A (p.Gly517Ser)

Genes: GBA1 (glucosylceramidase beta 1; minus strand), LOC106627981 (GBA recombination region; plus strand). Cytogenetic location: 1q22.
Variant type: single nucleotide variant.
Coding change: c.1549G>A on transcript NM_000157.4 (MANE Select); coding-DNA position 1549, G replaced by A.
Protein change: p.Gly517Ser; replaces glycine 517 with serine.
Molecular consequence: missense variant.
Genome position (GRCh38, 1-based): chr1:155,235,057, C>T on the plus strand (G>A on the coding strand, the complement: GBA1 is on the minus strand). VCF-style: chr1-155235057-C-T. GRCh37 (hg19) VCF-style: chr1-155204848-C-T.
Other names: G478S; c.1549G>A, p.Gly517Ser (NM_001005741.3, NM_001005742.3); c.1288G>A, p.Gly430Ser (NM_001171811.2); c.1402G>A, p.Gly468Ser (NM_001171812.2); short protein forms G517S, G430S, G468S.
Identifiers: ClinVar variation 4310 (VCV000004310.42), dbSNP rs121908301, ClinGen allele CA253081.
Genomic context (GRCh38, chr1:155,235,057, plus strand): 5'-ACTGGCGACGCCACAGGTAGGTGTGAATGGAGTAGCCAGGTGAGATTGTCTCCAGGAAGC[C>T]CACAGCAGGATCCTTGATGGTAAGAGGCACATCCTTAGAGGAGCTAGGGAGCAGGGAGGA-3'
Protein context (NP_000148.2, residues 507-527): VPLTIKDPAV[Gly517Ser]FLETISPGYS

ClinVar aggregate classification (germline): Conflicting classifications of pathogenicity. Review status: criteria provided, conflicting classifications (1 of 4 stars). 3 submissions from 3 submitters: Pathogenic (1); Uncertain significance (1). 1 of the submissions does not count toward it. Last evaluated 2024-05-29.

Conditions:
Gaucher disease type I (GD1). Also called: Gaucher's disease, type 1; ACID BETA-GLUCOSIDASE DEFICIENCY; GAUCHER DISEASE, NONCEREBRAL JUVENILE; GBA DEFICIENCY; GD I; GLUCOCEREBROSIDASE DEFICIENCY. Identifiers: Orphanet 355, Orphanet 77259, MedGen C1961835, MONDO:0009265, OMIM 230800.

Submissions (3):

Women's Health and Genetics/Laboratory Corporation of America, LabCorp
Classification: Uncertain significance. Last evaluated: 2024-05-29. Review status: criteria provided, single submitter. Criteria: LabCorp Variant Classification Summary - May 2015. Collection method: clinical testing. Allele origin: germline.
Comment: Variant summary: GBA1 c.1549G>A (p.Gly517Ser) results in a non-conservative amino acid change located in the Glycosyl hydrolase family 30, beta sandwich domain (IPR033452) of the encoded protein sequence. Four of five in-silico tools predict a damaging effect of the variant on protein function. The variant was absent in 231018 control chromosomes (gnomAD). The available data on variant occurrences in the general population are insufficient to allow any conclusion about variant significance. c.1549G>A has been reported in the literature in an individual affected with Gaucher Disease (Beutler_1993). These data do not allow any conclusion about variant significance. To our knowledge, no experimental evidence demonstrating an impact on protein function has been reported. The following publication has been ascertained in the context of this evaluation (PMID: 8432537). ClinVar contains an entry for this variant (Variation ID: 4310). Based on the evidence outlined above, the variant was classified as uncertain significance.

CeGaT Center for Human Genetics Tuebingen
Classification: Pathogenic. Last evaluated: 2020-02-01. Review status: criteria provided, single submitter. Criteria: CeGaT Center For Human Genetics Tuebingen Variant Classification Criteria Version 2. Collection method: clinical testing. Allele origin: germline. Affected: yes. Observed: 1 variant allele.

OMIM
Classification: Pathogenic for GAUCHER DISEASE, TYPE I. Last evaluated: 1993-06-15. Review status: no assertion criteria provided. Collection method: literature only. Allele origin: germline. Not counted in ClinVar's aggregate classification.

Literature cited by the submitters: PubMed 8432537 (cited by Women's Health and Genetics/Laboratory Corporation of America, LabCorp); PubMed 8516282 (cited by OMIM).